The following is an entry in ClinVar:

ClinVar aggregate classification (germline): Likely benign. Review status: criteria provided, multiple submitters, no conflicts (2 of 4 stars). 4 submissions from 4 submitters: Likely benign (3). 1 of the submissions does not count toward it. Last evaluated 2026-04-01.

Conditions:
VPS13B-related disorder. Also called: VPS13B-related condition.
Cohen syndrome (COH1). Also called: Cutis verticis gyrata, retinitis pigmentosa, and sensorineural deafness; PEPPER SYNDROME. Identifiers: Orphanet 193, MedGen C0265223, MONDO:0008999, OMIM 216550.

Allele frequency attached by ClinVar (database versions not stated): ExAC 0.00004; gnomAD 0.00005 and 0.00006; TOPMed 0.00006; ESP Exome Variant Server 0.00031; gnomAD exomes 0.00001 and 0.00003.
gnomAD v4.1: 16 of 1,613,054 alleles (0.00099%); highest among the groups gnomAD compares: African/African-American, 0.017%; no homozygotes.

Submissions (4):

CeGaT Center for Human Genetics Tuebingen
Classification: Likely benign. Last evaluated: 2026-04-01. Review status: criteria provided, single submitter. Criteria: CeGaT Center For Human Genetics Tuebingen Variant Classification Criteria Version 2. Collection method: clinical testing. Allele origin: germline. Affected: yes. Observed: 1 variant allele.
Comment: VPS13B: BP4, BP7

Labcorp Genetics (formerly Invitae), Labcorp
Classification: Likely benign for Cohen syndrome. Last evaluated: 2025-11-24. Review status: criteria provided, single submitter. Criteria: Invitae Variant Classification Sherloc (09022015). Collection method: clinical testing. Allele origin: germline.

PreventionGenetics, part of Exact Sciences
Classification: Likely benign for VPS13B-related condition. Last evaluated: 2025-08-04. Review status: criteria provided, single submitter. Criteria: ACMG Guidelines, 2015. Collection method: clinical testing. Allele origin: germline.
Comment: This variant is classified as likely benign based on ACMG/AMP sequence variant interpretation guidelines (Richards et al. 2015 PMID: 25741868, with internal and published modifications).

Natera, Inc.
Classification: Likely benign for Cohen syndrome. Last evaluated: 2021-01-20. Review status: no assertion criteria provided. Collection method: clinical testing. Allele origin: germline. Not counted in ClinVar's aggregate classification.

NM_152564.5(VPS13B):c.4890G>A (p.Val1630=)

Gene: VPS13B (vacuolar protein sorting 13 homolog B; plus strand). Cytogenetic location: 8q22.2.
Variant type: single nucleotide variant.
Coding change: c.4890G>A on transcript NM_152564.5 (MANE Select); coding-DNA position 4890, G replaced by A.
Protein change: p.Val1630=; no amino-acid change (valine 1630 retained).
Molecular consequence: synonymous variant.
Genome position (GRCh38, 1-based): chr8:99,556,594, G>A. VCF-style: chr8-99556594-G-A. GRCh37 (hg19) VCF-style: chr8-100568822-G-A.
Other names: c.4965G>A, p.Val1655= (NM_017890.5); c.4890G>A (NM_152564.4).
Identifiers: ClinVar variation 702381 (VCV000702381.16), dbSNP rs144069822, ClinGen allele CA4823676.